The following is an entry in ClinVar:

ClinVar aggregate classification (germline): Uncertain significance. Review status: criteria provided, multiple submitters, no conflicts (2 of 4 stars). 2 submissions from 2 submitters: Uncertain significance (2). Last evaluated 2026-09-09.

Conditions:
Inborn genetic diseases. Identifiers: MedGen C0950123, MeSH D030342.
LOXHD1-related disorder. Also called: LOXHD1-related condition.

gnomAD v4.1: 41 of 1,551,306 alleles (0.0026%); highest among the groups gnomAD compares: East Asian, 0.017%; no homozygotes.

Submissions (2):

PreventionGenetics, part of Exact Sciences
Classification: Uncertain significance for LOXHD1-related condition. Last evaluated: 2026-09-09. Review status: criteria provided, single submitter. Criteria: ACMG Guidelines, 2015. Collection method: clinical testing. Allele origin: germline.
Comment: The LOXHD1 c.1661G>A variant is predicted to result in the amino acid substitution p.Arg554Gln. To our knowledge, this variant has not been reported in the literature or in a large population database (gnomAD), indicating this variant is rare. At this time, the clinical significance of this variant is uncertain due to the absence of conclusive functional and genetic evidence.

Ambry Genetics
Classification: Uncertain significance for Inborn genetic diseases. Last evaluated: 2024-11-20. Review status: criteria provided, single submitter. Criteria: Ambry Variant Classification Scheme 2023. Collection method: clinical testing. Allele origin: germline.

NM_001384474.1(LOXHD1):c.1661G>A (p.Arg554Gln)

Gene: LOXHD1 (lipoxygenase homology PLAT domains 1; minus strand). Cytogenetic location: 18q21.1.
Variant type: single nucleotide variant.
Coding change: c.1661G>A on transcript NM_001384474.1 (MANE Select); coding-DNA position 1661, G replaced by A.
Protein change: p.Arg554Gln; replaces arginine 554 with glutamine.
Molecular consequence: missense variant.
Genome position (GRCh38, 1-based): chr18:46,579,778, C>T on the plus strand (G>A on the coding strand, the complement: LOXHD1 is on the minus strand). VCF-style: chr18-46579778-C-T. GRCh37 (hg19) VCF-style: chr18-44159741-C-T.
Other names: c.1661G>A, p.Arg554Gln (NM_144612.7); short protein forms R554Q.
Identifiers: ClinVar variation 3539008 (VCV003539008.2).